The following is an entry in ClinVar:

NM_000284.4(PDHA1):c.239A>C (p.Gln80Pro)

Gene: PDHA1 (pyruvate dehydrogenase E1 subunit alpha 1; plus strand). Cytogenetic location: Xp22.12.
Variant type: single nucleotide variant.
Coding change: c.239A>C on transcript NM_000284.4 (MANE Select); coding-DNA position 239, A replaced by C.
Protein change: p.Gln80Pro; replaces glutamine 80 with proline.
Molecular consequence: missense variant.
Genome position (GRCh38, 1-based): chrX:19,350,058, A>C. VCF-style: chrX-19350058-A-C. GRCh37 (hg19) VCF-style: chrX-19368176-A-C.
Other names: c.353A>C, p.Gln118Pro (NM_001173454.2); c.239A>C, p.Gln80Pro (NM_001173455.2, NM_001173456.2); short protein forms Q118P, Q80P.
Identifiers: ClinVar variation 1714466 (VCV001714466.5), dbSNP rs2519339750, ClinGen allele CA412390448.

ClinVar aggregate classification (germline): Uncertain significance (1 of 4 stars; one submission).

Conditions:
Pyruvate dehydrogenase E1-alpha deficiency (PDHAD). Also called: ATAXIA, INTERMITTENT, WITH PYRUVATE DEHYDROGENASE DEFICIENCY; ATAXIA WITH LACTIC ACIDOSIS I; ATAXIA, INTERMITTENT, WITH ABNORMAL PYRUVATE METABOLISM; Ataxia, intermittent, with pyruvate dehydrogenase, or decarboxylase, deficiency. Identifiers: Orphanet 79243, MedGen C1839413, MONDO:0010717, OMIM 312170.

Submission:

Labcorp Genetics (formerly Invitae), Labcorp
Classification: Uncertain significance for Pyruvate dehydrogenase E1-alpha deficiency. Last evaluated: 2022-08-08. Review status: criteria provided, single submitter. Criteria: Invitae Variant Classification Sherloc (09022015). Collection method: clinical testing. Allele origin: germline.
Comment: In summary, the available evidence is currently insufficient to determine the role of this variant in disease. Therefore, it has been classified as a Variant of Uncertain Significance. Algorithms developed to predict the effect of missense changes on protein structure and function are either unavailable or do not agree on the potential impact of this missense change (SIFT: "Tolerated"; PolyPhen-2: "Probably Damaging"; Align-GVGD: "Class C0"). This variant has not been reported in the literature in individuals affected with PDHA1-related conditions. This variant is not present in population databases (gnomAD no frequency). This sequence change replaces glutamine, which is neutral and polar, with proline, which is neutral and non-polar, at codon 80 of the PDHA1 protein (p.Gln80Pro).